The following is an entry in ClinVar:

ClinVar aggregate classification (germline): Pathogenic/Likely pathogenic. Review status: criteria provided, multiple submitters, no conflicts (2 of 4 stars). 2 submissions from 2 submitters: Pathogenic (1); Likely pathogenic (1). Last evaluated 2023-12-29.

Conditions:
Spastic paraplegia. Identifiers: MedGen C0037772, HP:0001258.
Hereditary spastic paraplegia 15 (SPG15). Also called: KJELLIN SYNDROME; SPASTIC PARAPLEGIA AND RETINAL DEGENERATION; SPASTIC PARAPLEGIA 15, AUTOSOMAL RECESSIVE. Identifiers: Orphanet 100996, MedGen C1849128, MONDO:0010044, OMIM 270700.

Submissions (2):

Fulgent Genetics
Classification: Likely pathogenic for Hereditary spastic paraplegia 15. Last evaluated: 2023-12-29. Review status: criteria provided, single submitter. Criteria: ACMG Guidelines, 2015. Collection method: clinical testing. Allele origin: germline.

Labcorp Genetics (formerly Invitae), Labcorp
Classification: Pathogenic for Spastic paraplegia. Last evaluated: 2020-11-22. Review status: criteria provided, single submitter. Criteria: Invitae Variant Classification Sherloc (09022015). Collection method: clinical testing. Allele origin: germline.
Comment: This variant is not present in population databases (ExAC no frequency). For these reasons, this variant has been classified as Pathogenic. This variant has not been reported in the literature in individuals with ZFYVE26-related conditions. This sequence change creates a premature translational stop signal (p.Gln1086*) in the ZFYVE26 gene. It is expected to result in an absent or disrupted protein product. Loss-of-function variants in ZFYVE26 are known to be pathogenic (PMID: 18394578, 19805727).

Literature cited by the submitters: PubMed 18394578 (cited by Labcorp Genetics (formerly Invitae), Labcorp); PubMed 19805727 (cited by Labcorp Genetics (formerly Invitae), Labcorp).

NM_015346.4(ZFYVE26):c.3256C>T (p.Gln1086Ter)

Gene: ZFYVE26 (zinc finger FYVE-type containing 26; minus strand). Cytogenetic location: 14q24.1.
Variant type: single nucleotide variant.
Coding change: c.3256C>T on transcript NM_015346.4 (MANE Select); coding-DNA position 3256, C replaced by T.
Protein change: p.Gln1086Ter; replaces glutamine 1086 with a stop codon.
Molecular consequence: nonsense.
Genome position (GRCh38, 1-based): chr14:67,785,906, G>A on the plus strand (C>T on the coding strand, the complement: ZFYVE26 is on the minus strand). VCF-style: chr14-67785906-G-A. GRCh37 (hg19) VCF-style: chr14-68252623-G-A.
Other names: short protein forms Q1086*.
Identifiers: ClinVar variation 1354728 (VCV001354728.7), dbSNP rs2140227633, ClinGen allele CA390172644.
Genomic context (GRCh38, chr14:67,785,906, plus strand): 5'-ACAGCCTTATACCTGGCAGCTCTAGTGCCTCTCTCAGTGACTGAAGGACCTGATCTAGCT[G>A]CTGGGAGAGGGTGGTGTGGCTGGCAACACAGTCCTCGCTTAGGCTGGGCCAGCACATCTG-3'